The following is an entry in ClinVar:

NM_000548.5(TSC2):c.2539_2540del (p.Leu847fs)

Gene: TSC2 (TSC complex subunit 2; plus strand). Cytogenetic location: 16p13.3.
Variant type: Deletion.
Coding change: c.2539_2540del on transcript NM_000548.5 (MANE Select); coding-DNA positions 2539 to 2540, 2 bases deleted (CT; older notation c.2539_2540delCT).
Protein change: p.Leu847fs; shifts the reading frame from leucine 847.
Molecular consequence: frameshift variant.
Genome position (GRCh38, 1-based): chr16:2,074,383-2,074,384, CT deleted. VCF-style (leftmost placement, unchanged base first): chr16-2074382-CCT-C. GRCh37 (hg19) VCF-style: chr16-2124383-CCT-C.
Other names: c.2539_2540del, p.Leu847fs (NM_001077183.3, NM_001114382.3, NM_001363528.2 and 3 more transcripts); c.2428_2429del, p.Leu810fs (NM_001318827.2); c.2392_2393del, p.Leu798fs (NM_001318829.2); c.1939_1940del, p.Leu647fs (NM_001318831.2); c.2572_2573del, p.Leu858fs (NM_001318832.2); short protein forms L647fs, L798fs, L810fs, L858fs, L847fs.
Identifiers: ClinVar variation 406020 (VCV000406020.6), dbSNP rs1060500938, ClinGen allele CA16614680.

ClinVar aggregate classification (germline): Pathogenic (1 of 4 stars; one submission).

Conditions:
Tuberous sclerosis 2 (TSC2). Identifiers: Orphanet 805, MedGen C1860707, MONDO:0013199, OMIM 613254.

Submission:

Labcorp Genetics (formerly Invitae), Labcorp
Classification: Pathogenic for Tuberous sclerosis 2. Last evaluated: 2016-07-09. Review status: criteria provided, single submitter. Criteria: Invitae Variant Classification Sherloc (09022015). Collection method: clinical testing. Allele origin: germline.
Comment: For these reasons, this variant has been classified as Pathogenic. While this particular variant has not been reported in the literature, loss-of-function variants in TSC2 are known to be pathogenic (PMID: 10205261, 17304050). This sequence change deletes 2 nucleotides from exon 22 of the TSC2 mRNA (c.2539_2540delCT), causing a frameshift at codon 847. This creates a premature translational stop signal (p.Leu847Valfs*35) and is expected to result in an absent or disrupted protein product.

Literature cited by the submitters: PubMed 10205261; PubMed 17304050.